The following is an entry in ClinVar:

ClinVar aggregate classification (germline): Uncertain significance. Review status: criteria provided, multiple submitters, no conflicts (2 of 4 stars). 2 submissions from 2 submitters: Uncertain significance (2). Last evaluated 2024-02-05.

Conditions:
Fanconi anemia (FA). Also called: Fanconi's anemia. Identifiers: Orphanet 84, MedGen C0015625, MeSH D005199, MONDO:0019391.
Fanconi anemia complementation group P. Also called: SLX4-Related Fanconi Anemia. Identifiers: Orphanet 84, MedGen C3469542, MONDO:0013499, OMIM 613951.

Submissions (2):

Fulgent Genetics
Classification: Uncertain significance for Fanconi anemia complementation group P. Last evaluated: 2024-02-05. Review status: criteria provided, single submitter. Criteria: ACMG Guidelines, 2015. Collection method: clinical testing. Allele origin: germline.

Labcorp Genetics (formerly Invitae), Labcorp
Classification: Uncertain significance for Fanconi anemia. Last evaluated: 2022-07-19. Review status: criteria provided, single submitter. Criteria: Invitae Variant Classification Sherloc (09022015). Collection method: clinical testing. Allele origin: germline.
Comment: In summary, the available evidence is currently insufficient to determine the role of this variant in disease. Therefore, it has been classified as a Variant of Uncertain Significance. Experimental studies and prediction algorithms are not available or were not evaluated, and the functional significance of this variant is currently unknown. ClinVar contains an entry for this variant (Variation ID: 861138). This variant has not been reported in the literature in individuals affected with SLX4-related conditions. This variant is present in population databases (rs775548839, gnomAD 0.003%). This variant, c.3919_3921del, results in the deletion of 1 amino acid(s) of the SLX4 protein (p.Lys1307del), but otherwise preserves the integrity of the reading frame.

NM_032444.4(SLX4):c.3919_3921del (p.Lys1307del)

Gene: SLX4 (SLX4 structure-specific endonuclease subunit; minus strand). Cytogenetic location: 16p13.3.
Variant type: Deletion.
Coding change: c.3919_3921del on transcript NM_032444.4 (MANE Select); coding-DNA positions 3919 to 3921, 3 bases deleted (AAG; older notation c.3919_3921delAAG).
Protein change: p.Lys1307del; deletes lysine 1307.
Molecular consequence: inframe deletion.
Genome position (GRCh38, 1-based): chr16:3,589,717-3,589,719, CTT deleted on the plus strand (AAG on the coding strand, the reverse complement: SLX4 is on the minus strand); deleting any 3 consecutive bases within chr16:3,589,717-3,589,721 gives the same sequence; the c. name uses the placement nearest the transcript's 3' end. VCF-style (leftmost placement, unchanged base first): chr16-3589716-ACTT-A. GRCh37 (hg19) VCF-style: chr16-3639717-ACTT-A.
Other names: short protein forms K1307del.
Identifiers: ClinVar variation 861138 (VCV000861138.11), dbSNP rs775548839, ClinGen allele CA7865788.